The following is an entry in ClinVar:

NM_006947.4(SRP72):c.283G>A (p.Glu95Lys)

Gene: SRP72 (signal recognition particle 72; plus strand). Cytogenetic location: 4q12.
Variant type: single nucleotide variant.
Coding change: c.283G>A on transcript NM_006947.4 (MANE Select); coding-DNA position 283, G replaced by A.
Protein change: p.Glu95Lys; replaces glutamic acid 95 with lysine.
Molecular consequence: missense variant. On other transcripts: non-coding transcript variant (1).
Genome position (GRCh38, 1-based): chr4:56,471,772, G>A. VCF-style: chr4-56471772-G-A. GRCh37 (hg19) VCF-style: chr4-57337938-G-A.
Other names: c.283G>A, p.Glu95Lys (NM_001267722.2); short protein forms E95K.
Identifiers: ClinVar variation 4174896 (VCV004174896.1).

ClinVar aggregate classification (germline): Uncertain significance (1 of 4 stars; one submission).

Submission:

Ambry Genetics
Classification: Uncertain significance. Last evaluated: 2025-06-19. Review status: criteria provided, single submitter. Criteria: Ambry Variant Classification Scheme 2023. Collection method: clinical testing. Allele origin: germline.
Comment: The p.E95K variant (also known as c.283G>A), located in coding exon 3 of the SRP72 gene, results from a G to A substitution at nucleotide position 283. The glutamic acid at codon 95 is replaced by lysine, an amino acid with similar properties. This amino acid position is conserved. In addition, this alteration is predicted to be tolerated by in silico analysis. Based on the available evidence, the clinical significance of this variant remains unclear.